The following is an entry in ClinVar:

NM_000368.5(TSC1):c.3487C>T (p.His1163Tyr)

Gene: TSC1 (TSC complex subunit 1; minus strand). Cytogenetic location: 9q34.13.
Variant type: single nucleotide variant.
Coding change: c.3487C>T on transcript NM_000368.5 (MANE Select); coding-DNA position 3487, C replaced by T.
Protein change: p.His1163Tyr; replaces histidine 1163 with tyrosine.
Molecular consequence: missense variant.
Genome position (GRCh38, 1-based): chr9:132,896,243, G>A on the plus strand (C>T on the coding strand, the complement: TSC1 is on the minus strand). VCF-style: chr9-132896243-G-A. GRCh37 (hg19) VCF-style: chr9-135771630-G-A.
Other names: c.3484C>T, p.His1162Tyr (NM_001162426.2); c.3334C>T, p.His1112Tyr (NM_001162427.2); c.3124C>T, p.His1042Tyr (NM_001362177.2); short protein forms H1042Y, H1112Y, H1162Y, H1163Y.
Identifiers: ClinVar variation 1312577 (VCV001312577.7), dbSNP rs2131585152, ClinGen allele CA375366260.

ClinVar aggregate classification (germline): Uncertain significance. Review status: criteria provided, multiple submitters, no conflicts (2 of 4 stars). 4 submissions from 4 submitters: Uncertain significance (4). Last evaluated 2026-06-14.

Conditions:
Hereditary cancer-predisposing syndrome. Also called: Neoplastic Syndromes, Hereditary; Tumor predisposition; Hereditary Cancer Syndrome; Hereditary neoplastic syndrome. Identifiers: Orphanet 140162, MedGen C0027672, MeSH D009386, MONDO:0015356.
Tuberous sclerosis 1 (TSC1). Identifiers: Orphanet 805, MedGen C1854465, MONDO:0008612, OMIM 191100.
Isolated focal cortical dysplasia type II (FCORD2). Also called: CORTICAL DYSPLASIA OF TAYLOR; Focal cortical dysplasia type II. Identifiers: Orphanet 268994, MedGen C1846385, MONDO:0011818, OMIM 607341, HP:0032051.

Submissions (4):

Ambry Genetics
Classification: Uncertain significance for Hereditary cancer-predisposing syndrome. Last evaluated: 2026-06-14. Review status: criteria provided, single submitter. Criteria: Ambry Variant Classification Scheme 2023. Collection method: clinical testing. Allele origin: germline.
Comment: The p.H1163Y variant (also known as c.3487C>T), located in coding exon 21 of the TSC1 gene, results from a C to T substitution at nucleotide position 3487. The histidine at codon 1163 is replaced by tyrosine, an amino acid with similar properties. This amino acid position is conserved. In addition, the in silico prediction for this alteration is inconclusive. Based on the available evidence, the clinical significance of this variant remains unclear.

Labcorp Genetics (formerly Invitae), Labcorp
Classification: Uncertain significance for Tuberous sclerosis 1. Last evaluated: 2024-12-12. Review status: criteria provided, single submitter. Criteria: Invitae Variant Classification Sherloc (09022015). Collection method: clinical testing. Allele origin: germline.
Comment: This sequence change replaces histidine, which is basic and polar, with tyrosine, which is neutral and polar, at codon 1163 of the TSC1 protein (p.His1163Tyr). This variant is not present in population databases (gnomAD no frequency). This variant has not been reported in the literature in individuals affected with TSC1-related conditions. ClinVar contains an entry for this variant (Variation ID: 1312577). Invitae Evidence Modeling of protein sequence and biophysical properties (such as structural, functional, and spatial information, amino acid conservation, physicochemical variation, residue mobility, and thermodynamic stability) indicates that this missense variant is not expected to disrupt TSC1 protein function with a negative predictive value of 95%. In summary, the available evidence is currently insufficient to determine the role of this variant in disease. Therefore, it has been classified as a Variant of Uncertain Significance.

Baylor Genetics
Classification: Uncertain significance for Isolated focal cortical dysplasia type II. Last evaluated: 2023-05-15. Review status: criteria provided, single submitter. Criteria: ACMG Guidelines, 2015. Collection method: clinical testing. Allele origin: unknown.

GeneDx
Classification: Uncertain significance. Last evaluated: 2022-08-08. Review status: criteria provided, single submitter. Criteria: GeneDx Variant Classification Process June 2021. Collection method: clinical testing. Allele origin: germline. Affected: yes.
Comment: Not observed at significant frequency in large population cohorts (gnomAD); In silico analysis supports that this missense variant does not alter protein structure/function; Has not been previously published as pathogenic or benign to our knowledge